The following is an entry in ClinVar:

ClinVar aggregate classification (germline): Uncertain significance (1 of 4 stars; one submission).

Conditions:
Walker-Warburg congenital muscular dystrophy. Also called: Muscular dystrophy-dystroglycanopathy, type A; Walker-Warburg syndrome. Identifiers: Orphanet 899, MedGen C0265221, MONDO:0000171.

Submission:

Labcorp Genetics (formerly Invitae), Labcorp
Classification: Uncertain significance for Walker-Warburg congenital muscular dystrophy. Last evaluated: 2022-08-23. Review status: criteria provided, single submitter. Criteria: Invitae Variant Classification Sherloc (09022015). Collection method: clinical testing. Allele origin: germline.
Comment: This sequence change replaces valine, which is neutral and non-polar, with leucine, which is neutral and non-polar, at codon 79 of the FKRP protein (p.Val79Leu). This variant is not present in population databases (gnomAD no frequency). This variant has not been reported in the literature in individuals affected with FKRP-related conditions. ClinVar contains an entry for this variant (Variation ID: 1475218). Algorithms developed to predict the effect of missense changes on protein structure and function output the following: SIFT: "Tolerated"; PolyPhen-2: "Benign"; Align-GVGD: "Class C0". The leucine amino acid residue is found in multiple mammalian species, which suggests that this missense change does not adversely affect protein function. In summary, the available evidence is currently insufficient to determine the role of this variant in disease. Therefore, it has been classified as a Variant of Uncertain Significance.

NM_024301.5(FKRP):c.235G>C (p.Val79Leu)

Gene: FKRP (fukutin related protein; plus strand). Cytogenetic location: 19q13.32.
Variant type: single nucleotide variant.
Coding change: c.235G>C on transcript NM_024301.5 (MANE Select); coding-DNA position 235, G replaced by C.
Protein change: p.Val79Leu; replaces valine 79 with leucine.
Molecular consequence: missense variant.
Genome position (GRCh38, 1-based): chr19:46,755,685, G>C. VCF-style: chr19-46755685-G-C. GRCh37 (hg19) VCF-style: chr19-47258942-G-C.
Other names: c.235G>C, p.Val79Leu (NM_001039885.3); short protein forms V79L.
Identifiers: ClinVar variation 1475218 (VCV001475218.5), dbSNP rs104894683, ClinGen allele CA406494934.